The following is an entry in ClinVar:

ClinVar aggregate classification (germline): Uncertain significance. Review status: criteria provided, multiple submitters, no conflicts (2 of 4 stars). 3 submissions from 3 submitters: Uncertain significance (3). Last evaluated 2025-04-18.

Conditions:
Cardiovascular phenotype. Identifiers: MedGen CN230736.
Long QT syndrome (LQTS). Identifiers: MedGen C0023976, MeSH D008133, MONDO:0002442. Disease mechanism: loss of function. Inheritance: Various modes of inheritance.
Long QT syndrome 11 (LQT11). Identifiers: Orphanet 101016, Orphanet 768, MedGen C2678483, MONDO:0012738, OMIM 611820.

Allele frequency attached by ClinVar (database versions not stated): TOPMed below 0.00001; ExAC 0.00001; gnomAD 0.00001; gnomAD exomes 0.00001 and 0.00002; ESP Exome Variant Server 0.00008.
gnomAD v4.1: 14 of 1,610,526 alleles (0.00087%); highest among the groups gnomAD compares: Non-Finnish European, 0.0012%; no homozygotes.

Submissions (3):

Ambry Genetics
Classification: Uncertain significance for Cardiovascular phenotype. Last evaluated: 2025-04-18. Review status: criteria provided, single submitter. Criteria: Ambry Variant Classification Scheme 2023. Collection method: clinical testing. Allele origin: germline.
Comment: The p.F852L variant (also known as c.2554T>C), located in coding exon 8 of the AKAP9 gene, results from a T to C substitution at nucleotide position 2554. The phenylalanine at codon 852 is replaced by leucine, an amino acid with highly similar properties. This amino acid position is well conserved in available vertebrate species. In addition, this alteration is predicted to be tolerated by in silico analysis. The evidence for this gene-disease relationship is limited; therefore, the clinical significance of this alteration is unclear.

Fulgent Genetics
Classification: Uncertain significance for Long QT syndrome 11. Last evaluated: 2024-06-17. Review status: criteria provided, single submitter. Criteria: ACMG Guidelines, 2015. Collection method: clinical testing. Allele origin: germline.

Labcorp Genetics (formerly Invitae), Labcorp
Classification: Uncertain significance for Long QT syndrome. Last evaluated: 2023-07-06. Review status: criteria provided, single submitter. Criteria: Invitae Variant Classification Sherloc (09022015). Collection method: clinical testing. Allele origin: germline.
Comment: In summary, the available evidence is currently insufficient to determine the role of this variant in disease. Therefore, it has been classified as a Variant of Uncertain Significance. An algorithm developed to predict the effect of missense changes on protein structure and function (PolyPhen-2) suggests that this variant is likely to be disruptive. ClinVar contains an entry for this variant (Variation ID: 1391757). This variant has not been reported in the literature in individuals affected with AKAP9-related conditions. This sequence change replaces phenylalanine, which is neutral and non-polar, with leucine, which is neutral and non-polar, at codon 852 of the AKAP9 protein (p.Phe852Leu). This variant is present in population databases (rs372844164, gnomAD 0.003%).

NM_005751.5(AKAP9):c.2554T>C (p.Phe852Leu)

Gene: AKAP9 (A-kinase anchoring protein 9; plus strand). Cytogenetic location: 7q21.2.
Variant type: single nucleotide variant.
Coding change: c.2554T>C on transcript NM_005751.5 (MANE Select); coding-DNA position 2554, T replaced by C.
Protein change: p.Phe852Leu; replaces phenylalanine 852 with leucine.
Molecular consequence: missense variant.
Genome position (GRCh38, 1-based): chr7:92,002,471, T>C. VCF-style: chr7-92002471-T-C. GRCh37 (hg19) VCF-style: chr7-91631785-T-C.
Other names: c.2554T>C, p.Phe852Leu (NM_147185.3); c.2554T>C (NM_005751.4); short protein forms F852L.
Identifiers: ClinVar variation 1391757 (VCV001391757.8), dbSNP rs372844164, ClinGen allele CA4336156.